The following is an entry in ClinVar:

ClinVar aggregate classification (germline): Uncertain significance (1 of 4 stars; one submission).

Conditions:
Osteogenesis imperfecta type I (OI1). Also called: Lobstein's Disease; Lobstein disease; Classic Non-deforming Osteogenesis Imperfecta with Blue Sclerae; OI, TYPE I; OSTEOGENESIS IMPERFECTA TARDA; OSTEOGENESIS IMPERFECTA WITH BLUE SCLERAE. Identifiers: Orphanet 216796, Orphanet 666, MedGen C0023931, MONDO:0008146, OMIM 166200. Disease mechanism: loss of function.

Submission:

Labcorp Genetics (formerly Invitae), Labcorp
Classification: Uncertain significance for Osteogenesis imperfecta type I. Last evaluated: 2025-02-10. Review status: criteria provided, single submitter. Criteria: Invitae Variant Classification Sherloc (09022015). Collection method: clinical testing. Allele origin: germline.
Comment: This sequence change replaces arginine, which is basic and polar, with cysteine, which is neutral and slightly polar, at codon 240 of the COL1A1 protein (p.Arg240Cys). This variant is present in population databases (rs772223365, gnomAD 0.0009%). This variant has not been reported in the literature in individuals affected with COL1A1-related conditions. Invitae Evidence Modeling of protein sequence and biophysical properties (such as structural, functional, and spatial information, amino acid conservation, physicochemical variation, residue mobility, and thermodynamic stability) has been performed for this missense variant. However, the output from this modeling did not meet the statistical confidence thresholds required to predict the impact of this variant on COL1A1 protein function. In summary, the available evidence is currently insufficient to determine the role of this variant in disease. Therefore, it has been classified as a Variant of Uncertain Significance.

NM_000088.4(COL1A1):c.718C>T (p.Arg240Cys)

Genes: COL1A1 (collagen type I alpha 1 chain; minus strand), LOC126862586 (CDK7 strongly-dependent group 2 enhancer GRCh37_chr17:48273702-48274901; plus strand). Cytogenetic location: 17q21.33.
Variant type: single nucleotide variant.
Coding change: c.718C>T on transcript NM_000088.4 (MANE Select); coding-DNA position 718, C replaced by T.
Protein change: p.Arg240Cys; replaces arginine 240 with cysteine.
Molecular consequence: missense variant.
Genome position (GRCh38, 1-based): chr17:50,197,212, G>A on the plus strand (C>T on the coding strand, the complement: COL1A1 is on the minus strand). VCF-style: chr17-50197212-G-A. GRCh37 (hg19) VCF-style: chr17-48274573-G-A.
Other names: short protein forms R240C.
Identifiers: ClinVar variation 4740753 (VCV004740753.1).
Genomic context (GRCh38, chr17:50,197,212, plus strand): 5'-CCAGGTTCAGCCACAGCCCCCTGCTCACCTGAGGCCCAGGAGGCCCACGCTCACCAGGAC[G>A]ACCAGGTTTTCCAGCTTCCCCCTGAGAGGGAGAGAAAAGACCATCATGCCTCTGCCTCCC-3'
Protein context (NP_000079.2, residues 230-250): GDDGEAGKPG[Arg240Cys]PGERGPPGPQ